The following is an entry in ClinVar:

ClinVar aggregate classification (germline): Uncertain significance (1 of 4 stars; one submission).

Submission:

Labcorp Genetics (formerly Invitae), Labcorp
Classification: Uncertain significance. Last evaluated: 2025-02-04. Review status: criteria provided, single submitter. Criteria: Invitae Variant Classification Sherloc (09022015). Collection method: clinical testing. Allele origin: germline.
Comment: This sequence change falls in intron 2 of the NAA35 gene. It does not directly change the encoded amino acid sequence of the NAA35 protein. It affects a nucleotide within the consensus splice site. This variant is not present in population databases (gnomAD no frequency). This variant has not been reported in the literature in individuals affected with NAA35-related conditions. Variants that disrupt the consensus splice site are a relatively common cause of aberrant splicing (PMID: 17576681, 9536098). Algorithms developed to predict the effect of sequence changes on RNA splicing suggest that this variant may disrupt the consensus splice site. In summary, the available evidence is currently insufficient to determine the role of this variant in disease. Therefore, it has been classified as a Variant of Uncertain Significance.

Literature cited by the submitters: PubMed 17576681; PubMed 9536098.

NM_024635.4(NAA35):c.124+5G>A

Gene: NAA35 (N-alpha-acetyltransferase 35, NatC auxiliary subunit; plus strand). Cytogenetic location: 9q21.33.
Variant type: single nucleotide variant.
Coding change: c.124+5G>A on transcript NM_024635.4 (MANE Select); 5 bases into the intron after coding-DNA position 124, G replaced by A.
Molecular consequence: intron variant.
Genome position (GRCh38, 1-based): chr9:85,942,288, G>A. VCF-style: chr9-85942288-G-A. GRCh37 (hg19) VCF-style: chr9-88557203-G-A.
Other names: c.124+5G>A (NM_001321881.2, NM_001321882.2).
Identifiers: ClinVar variation 4712253 (VCV004712253.1).